The following is an entry in ClinVar:

NM_001378120.1(MBD5):c.920G>A (p.Ser307Asn)

Gene: MBD5 (methyl-CpG binding domain protein 5; plus strand). Cytogenetic location: 2q23.1.
Variant type: single nucleotide variant.
Coding change: c.920G>A on transcript NM_001378120.1 (MANE Select); coding-DNA position 920, G replaced by A.
Protein change: p.Ser307Asn; replaces serine 307 with asparagine.
Molecular consequence: missense variant.
Genome position (GRCh38, 1-based): chr2:148,468,863, G>A. VCF-style: chr2-148468863-G-A. GRCh37 (hg19) VCF-style: chr2-149226432-G-A.
Other names: c.920G>A, p.Ser307Asn (NM_018328.5); short protein forms S307N.
Identifiers: ClinVar variation 2705131 (VCV002705131.3), dbSNP rs1252895239, ClinGen allele CA348717991.

ClinVar aggregate classification (germline): Uncertain significance (1 of 4 stars; one submission).

Conditions:
Intellectual developmental disorder, autosomal dominant 1. Also called: Intellectual disability, autosomal dominant 1; MBD5 Haploinsufficiency. Identifiers: Orphanet 228402, MedGen C1969562, MONDO:0007974, OMIM 156200.

Allele frequency attached by ClinVar (database versions not stated): gnomAD 0.00001; gnomAD exomes 0.00001; TOPMed 0.00001.
gnomAD v4.1: 4 of 1,613,828 alleles (0.00025%); highest among the groups gnomAD compares: Admixed American, 0.005%; no homozygotes.

Submission:

Labcorp Genetics (formerly Invitae), Labcorp
Classification: Uncertain significance for Intellectual developmental disorder, autosomal dominant 1. Last evaluated: 2025-09-24. Review status: criteria provided, single submitter. Criteria: Invitae Variant Classification Sherloc (09022015). Collection method: clinical testing. Allele origin: germline.
Comment: This sequence change replaces serine, which is neutral and polar, with asparagine, which is neutral and polar, at codon 307 of the MBD5 protein (p.Ser307Asn). This variant is present in population databases (no rsID available, gnomAD 0.003%). This variant has not been reported in the literature in individuals affected with MBD5-related conditions. ClinVar contains an entry for this variant (Variation ID: 2705131). Invitae Evidence Modeling of protein sequence and biophysical properties (such as structural, functional, and spatial information, amino acid conservation, physicochemical variation, residue mobility, and thermodynamic stability) has been performed for this missense variant. However, the output from this modeling did not meet the statistical confidence thresholds required to predict the impact of this variant on MBD5 protein function. In summary, the available evidence is currently insufficient to determine the role of this variant in disease. Therefore, it has been classified as a Variant of Uncertain Significance.